The following is an entry in ClinVar:

ClinVar aggregate classification (germline): Uncertain significance. Review status: criteria provided, single submitter (1 of 4 stars). 2 submissions from 2 submitters: Uncertain significance (1). 1 of the submissions does not count toward it. Last evaluated 2023-11-07.

Conditions:
Deficiency of UDPglucose-hexose-1-phosphate uridylyltransferase. Also called: GALT deficiency; Galactosemia, classic; Transferase Deficiency Galactosemia; GALACTOSEMIA I; GALACTOSE-1-PHOSPHATE URIDYLYLTRANSFERASE DEFICIENCY. Identifiers: Orphanet 352, Orphanet 79239, MedGen C0268151, MONDO:0009258, OMIM 230400.

Allele frequency attached by ClinVar (database versions not stated): gnomAD exomes below 0.00001.

Submissions (2):

Women's Health and Genetics/Laboratory Corporation of America, LabCorp
Classification: Uncertain significance. Last evaluated: 2023-11-07. Review status: criteria provided, single submitter. Criteria: LabCorp Variant Classification Summary - May 2015. Collection method: clinical testing. Allele origin: germline.
Comment: Variant summary: GALT c.346C>A (p.Leu116Ile) results in a conservative amino acid change located in the Galactose-1-phosphate uridyl transferase, N-terminal (IPR005849) of the encoded protein sequence. Four of five in-silico tools predict a damaging effect of the variant on protein function. The variant was absent in 251440 control chromosomes. The available data on variant occurrences in the general population are insufficient to allow any conclusion about variant significance. c.346C>A has been reported at a compound heterozygous state with a second pathogenic variant in at-least one individual affected with Galactosemia (Ko_2010). This variant has also been reported at a heterozygous state in one individual affected with Galactosemia without second variant in GALT (Choi_2014). These data do not allow any conclusion about variant significance. At least one publication reports experimental evidence evaluating an impact on protein function. These results showed no damaging effect of this variant as the variant produced similar GALT activities as in the WT control in T293 cells (Ko_2010). The following publications have been ascertained in the context of this evaluation (PMID: 25124065, 20547145). One submitter has cited clinical-significance assessments for this variant to ClinVar after 2014 and has classified the variant as uncertain significance. Based on the evidence outlined above, the variant was classified as uncertain significance.

Counsyl
Classification: Uncertain significance for Deficiency of UDPglucose-hexose-1-phosphate uridylyltransferase. Last evaluated: 2017-11-07. Review status: no assertion criteria provided. Collection method: clinical testing. Allele origin: unknown. Not counted in ClinVar's aggregate classification.

Literature cited by the submitters: PubMed 20547145 (cited by Women's Health and Genetics/Laboratory Corporation of America, LabCorp and Counsyl); PubMed 25124065 (cited by Women's Health and Genetics/Laboratory Corporation of America, LabCorp and Counsyl); PubMed 27005423 (cited by Counsyl).

NM_000155.4(GALT):c.346C>A (p.Leu116Ile)

Gene: GALT (galactose-1-phosphate uridylyltransferase; plus strand). Cytogenetic location: 9p13.3.
Variant type: single nucleotide variant.
Coding change: c.346C>A on transcript NM_000155.4 (MANE Select); coding-DNA position 346, C replaced by A.
Protein change: p.Leu116Ile; replaces leucine 116 with isoleucine.
Molecular consequence: missense variant. On other transcripts: intron variant (1).
Genome position (GRCh38, 1-based): chr9:34,647,674, C>A. VCF-style: chr9-34647674-C-A. GRCh37 (hg19) VCF-style: chr9-34647671-C-A.
Other names: c.51-158C>A (NM_001258332.2); short protein forms L116I.
Identifiers: ClinVar variation 554776 (VCV000554776.3), dbSNP rs1554709252, ClinGen allele CA373280336.